The following is an entry in ClinVar:

NM_000245.4(MET):c.1550G>C (p.Gly517Ala)

Gene: MET (MET proto-oncogene, receptor tyrosine kinase; plus strand). Cytogenetic location: 7q31.2.
Variant type: single nucleotide variant.
Coding change: c.1550G>C on transcript NM_000245.4 (MANE Select); coding-DNA position 1550, G replaced by C.
Protein change: p.Gly517Ala; replaces glycine 517 with alanine.
Molecular consequence: missense variant.
Genome position (GRCh38, 1-based): chr7:116,740,874, G>C. VCF-style: chr7-116740874-G-C. GRCh37 (hg19) VCF-style: chr7-116380928-G-C.
Other names: c.260G>C, p.Gly87Ala (NM_001324402.2); c.1550G>C, p.Gly517Ala (NM_001127500.3, NM_001324401.3); short protein forms G87A, G517A.
Identifiers: ClinVar variation 2139334 (VCV002139334.5), dbSNP rs1417975136, ClinGen allele CA368975057.

ClinVar aggregate classification (germline): Uncertain significance. Review status: criteria provided, multiple submitters, no conflicts (2 of 4 stars). 2 submissions from 2 submitters: Uncertain significance (2). Last evaluated 2025-07-15.

Conditions:
Renal cell carcinoma. Identifiers: Orphanet 217071, MedGen C0007134, MeSH D002292, MONDO:0005086, HP:0005584.
Hereditary cancer-predisposing syndrome. Also called: Neoplastic Syndromes, Hereditary; Hereditary Cancer Syndrome; Tumor predisposition; Hereditary neoplastic syndrome. Identifiers: Orphanet 140162, MedGen C0027672, MeSH D009386, MONDO:0015356.

gnomAD v4.1: 1 of 1,614,034 alleles (0.000062%); highest among the groups gnomAD compares: Non-Finnish European, 0.000085%; no homozygotes.

Submissions (2):

Labcorp Genetics (formerly Invitae), Labcorp
Classification: Uncertain significance for Renal cell carcinoma. Last evaluated: 2025-07-15. Review status: criteria provided, single submitter. Criteria: Invitae Variant Classification Sherloc (09022015). Collection method: clinical testing. Allele origin: germline.
Comment: This sequence change replaces glycine, which is neutral and non-polar, with alanine, which is neutral and non-polar, at codon 517 of the MET protein (p.Gly517Ala). This variant is not present in population databases (gnomAD no frequency). This variant has not been reported in the literature in individuals affected with MET-related conditions. ClinVar contains an entry for this variant (Variation ID: 2139334). Invitae Evidence Modeling of protein sequence and biophysical properties (such as structural, functional, and spatial information, amino acid conservation, physicochemical variation, residue mobility, and thermodynamic stability) indicates that this missense variant is not expected to disrupt MET protein function with a negative predictive value of 80%. In summary, the available evidence is currently insufficient to determine the role of this variant in disease. Therefore, it has been classified as a Variant of Uncertain Significance.

Ambry Genetics
Classification: Uncertain significance for Hereditary cancer-predisposing syndrome. Last evaluated: 2024-12-20. Review status: criteria provided, single submitter. Criteria: Ambry Variant Classification Scheme 2023. Collection method: clinical testing. Allele origin: germline.
Comment: The p.G517A variant (also known as c.1550G>C), located in coding exon 4 of the MET gene, results from a G to C substitution at nucleotide position 1550. The glycine at codon 517 is replaced by alanine, an amino acid with similar properties. This amino acid position is conserved. In addition, the in silico prediction for this alteration is inconclusive. Based on the available evidence, the clinical significance of this variant remains unclear.